The following is an entry in ClinVar:

NM_015466.4(PTPN23):c.2254A>G (p.Met752Val)

Gene: PTPN23 (protein tyrosine phosphatase non-receptor type 23; plus strand). Cytogenetic location: 3p21.31.
Variant type: single nucleotide variant.
Coding change: c.2254A>G on transcript NM_015466.4 (MANE Select); coding-DNA position 2254, A replaced by G.
Protein change: p.Met752Val; replaces methionine 752 with valine.
Molecular consequence: missense variant.
Genome position (GRCh38, 1-based): chr3:47,410,052, A>G. VCF-style: chr3-47410052-A-G. GRCh37 (hg19) VCF-style: chr3-47451542-A-G.
Other names: c.1876A>G, p.Met626Val (NM_001304482.2); c.2254A>G (NM_015466.2); short protein forms M626V, M752V.
Identifiers: ClinVar variation 1955439 (VCV001955439.6), dbSNP rs776186524, ClinGen allele CA2365992.

ClinVar aggregate classification (germline): Uncertain significance. Review status: criteria provided, multiple submitters, no conflicts (2 of 4 stars). 2 submissions from 2 submitters: Uncertain significance (2). Last evaluated 2023-09-25.

Conditions:
Inborn genetic diseases. Identifiers: MedGen C0950123, MeSH D030342.

Allele frequency attached by ClinVar (database versions not stated): gnomAD exomes below 0.00001; TOPMed below 0.00001; ExAC 0.00001; gnomAD 0.00002.
gnomAD v4.1: 5 of 1,611,558 alleles (0.00031%); highest among the groups gnomAD compares: Non-Finnish European, 0.00042%; no homozygotes.

Submissions (2):

Ambry Genetics
Classification: Uncertain significance for Inborn genetic diseases. Last evaluated: 2023-09-25. Review status: criteria provided, single submitter. Criteria: Ambry Variant Classification Scheme 2023. Collection method: clinical testing. Allele origin: germline.

Labcorp Genetics (formerly Invitae), Labcorp
Classification: Uncertain significance. Last evaluated: 2022-05-17. Review status: criteria provided, single submitter. Criteria: Invitae Variant Classification Sherloc (09022015). Collection method: clinical testing. Allele origin: germline.
Comment: This sequence change replaces methionine, which is neutral and non-polar, with valine, which is neutral and non-polar, at codon 752 of the PTPN23 protein (p.Met752Val). This variant is present in population databases (rs776186524, gnomAD 0.006%). This variant has not been reported in the literature in individuals affected with PTPN23-related conditions. Algorithms developed to predict the effect of missense changes on protein structure and function are either unavailable or do not agree on the potential impact of this missense change (SIFT: "Tolerated"; PolyPhen-2: "Not Available"; Align-GVGD: "Class C0"). In summary, the available evidence is currently insufficient to determine the role of this variant in disease. Therefore, it has been classified as a Variant of Uncertain Significance.